The following is an entry in ClinVar:

NM_001846.4(COL4A2):c.2326G>C (p.Val776Leu)

Gene: COL4A2 (collagen type IV alpha 2 chain; plus strand). Cytogenetic location: 13q34.
Variant type: single nucleotide variant.
Coding change: c.2326G>C on transcript NM_001846.4 (MANE Select); coding-DNA position 2326, G replaced by C.
Protein change: p.Val776Leu; replaces valine 776 with leucine.
Molecular consequence: missense variant.
Genome position (GRCh38, 1-based): chr13:110,473,051, G>C. VCF-style: chr13-110473051-G-C. GRCh37 (hg19) VCF-style: chr13-111125398-G-C.
Other names: short protein forms V776L.
Identifiers: ClinVar variation 1315756 (VCV001315756.4), dbSNP rs1882540552, ClinGen allele CA388742406.

ClinVar aggregate classification (germline): Uncertain significance. Review status: criteria provided, multiple submitters, no conflicts (2 of 4 stars). 2 submissions from 2 submitters: Uncertain significance (2). Last evaluated 2023-03-01.

Conditions:
Inborn genetic diseases. Identifiers: MedGen C0950123, MeSH D030342.

Allele frequency attached by ClinVar (database versions not stated): gnomAD 0.00001.
gnomAD v4.1: 11 of 1,526,052 alleles (0.00072%); highest among the groups gnomAD compares: Non-Finnish European, 0.0007%; no homozygotes.

Submissions (2):

Ambry Genetics
Classification: Uncertain significance for Inborn genetic diseases. Last evaluated: 2023-03-01. Review status: criteria provided, single submitter. Criteria: Ambry Variant Classification Scheme 2023. Collection method: clinical testing. Allele origin: germline.

GeneDx
Classification: Uncertain significance. Last evaluated: 2019-07-03. Review status: criteria provided, single submitter. Criteria: GeneDx Variant Classification Process June 2021. Collection method: clinical testing. Allele origin: germline. Affected: yes.
Comment: Not observed in large population cohorts (Lek et al., 2016); In silico analysis, which includes protein predictors and evolutionary conservation, supports that this variant does not alter protein structure/function; Has not been previously published as pathogenic or benign to our knowledge